The following is an entry in ClinVar:

ClinVar aggregate classification (germline): Uncertain significance. Review status: criteria provided, multiple submitters, no conflicts (2 of 4 stars). 2 submissions from 2 submitters: Uncertain significance (2). Last evaluated 2023-03-18.

Conditions:
Juvenile polyposis syndrome (JPS). Identifiers: Orphanet 2929, MedGen C0345893, MONDO:0017380, OMIM 174900.
Hereditary cancer-predisposing syndrome. Also called: Hereditary Cancer Syndrome; Tumor predisposition; Neoplastic Syndromes, Hereditary; Hereditary neoplastic syndrome. Identifiers: Orphanet 140162, MedGen C0027672, MeSH D009386, MONDO:0015356.

Submissions (2):

Ambry Genetics
Classification: Uncertain significance for Hereditary cancer-predisposing syndrome. Last evaluated: 2023-03-18. Review status: criteria provided, single submitter. Criteria: Ambry Variant Classification Scheme 2023. Collection method: clinical testing. Allele origin: germline.
Comment: The p.S270N variant (also known as c.809G>A), located in coding exon 7 of the BMPR1A gene, results from a G to A substitution at nucleotide position 809. The serine at codon 270 is replaced by asparagine, an amino acid with highly similar properties. This amino acid position is conserved. In addition, this alteration is predicted to be tolerated by in silico analysis. Since supporting evidence is limited at this time, the clinical significance of this alteration remains unclear.

Labcorp Genetics (formerly Invitae), Labcorp
Classification: Uncertain significance for Juvenile polyposis syndrome. Last evaluated: 2022-03-03. Review status: criteria provided, single submitter. Criteria: Invitae Variant Classification Sherloc (09022015). Collection method: clinical testing. Allele origin: germline.
Comment: In summary, the available evidence is currently insufficient to determine the role of this variant in disease. Therefore, it has been classified as a Variant of Uncertain Significance. Advanced modeling of protein sequence and biophysical properties (such as structural, functional, and spatial information, amino acid conservation, physicochemical variation, residue mobility, and thermodynamic stability) performed at Invitae indicates that this missense variant is expected to disrupt BMPR1A protein function. This variant has not been reported in the literature in individuals affected with BMPR1A-related conditions. This variant is not present in population databases (gnomAD no frequency). This sequence change replaces serine, which is neutral and polar, with asparagine, which is neutral and polar, at codon 270 of the BMPR1A protein (p.Ser270Asn).

NM_004329.3(BMPR1A):c.809G>A (p.Ser270Asn)

Gene: BMPR1A (bone morphogenetic protein receptor type 1A; plus strand). Cytogenetic location: 10q23.2.
Variant type: single nucleotide variant.
Coding change: c.809G>A on transcript NM_004329.3 (MANE Select); coding-DNA position 809, G replaced by A.
Protein change: p.Ser270Asn; replaces serine 270 with asparagine.
Molecular consequence: missense variant.
Genome position (GRCh38, 1-based): chr10:86,917,267, G>A. VCF-style: chr10-86917267-G-A. GRCh37 (hg19) VCF-style: chr10-88677024-G-A.
Other names: c.857G>A, p.Ser286Asn (NM_001406560.1); c.809G>A, p.Ser270Asn (NM_001406561.1, NM_001406562.1, NM_001406563.1 and 19 more transcripts); c.884G>A, p.Ser295Asn (NM_001406559.1); c.803G>A, p.Ser268Asn (NM_001406583.1); c.725G>A, p.Ser242Asn (NM_001406584.1, NM_001406585.1, NM_001406586.1 and 2 more transcripts); c.467G>A, p.Ser156Asn (NM_001406589.1); short protein forms S242N, S286N, S295N, S268N, S270N, S156N.
Identifiers: ClinVar variation 2105822 (VCV002105822.6), dbSNP rs1843587260, ClinGen allele CA377458346.